The following is an entry in ClinVar:

ClinVar aggregate classification (germline): Likely pathogenic (1 of 4 stars; one submission).

Conditions:
Corpus callosum, agenesis of. Also called: Isolated corpus callosum agenesis; Corpus callosum agenesis; Mental retardation hypoplastic corpus callosum preauricular tag; Da silva syndrome; Agenesis of the corpus callosum. Identifiers: Orphanet 200, MedGen C0175754, MONDO:0009022, OMIM 217990, HP:0001274.

Submission:

Laboratory of Cytogenetics, Molecular Genetics and Reproductive Biology, Farhat Hached University Hospital
Classification: Likely pathogenic for corpus callosum agenesis. Last evaluated: 2025-12-12. Review status: criteria provided, single submitter. Criteria: ACMG/ClinGen CNV Guidelines, 2019. Collection method: clinical testing. Allele origin: unknown. Affected: yes.
Comment: Similar genomic alterations have been previously reported in affected individuals (PMID: 30236064) . Based on phenotypic overlap and available literature evidence, the variant was classified as Pathogenic. The copy number variant was evaluated using ACMG/ClinGen CNV guidelines (PMID:31690835)

Literature cited by the submitters: PubMed 30236064.

GRCh37/hg19 2p23.2(chr2:28837963-29251002)x3

Genes: PLB1 (phospholipase B1; plus strand), PPP1CB (protein phosphatase 1 catalytic subunit beta; plus strand), SPDYA (speedy/RINGO cell cycle regulator family member A; plus strand), TOGARAM2 (TOG array regulator of axonemal microtubules 2; plus strand), TRMT61B (tRNA methyltransferase 61B; minus strand) and 1 more. Cytogenetic location: 2p23.2.
Variant type: copy number gain.
Change: copy number 3 (three copies instead of two) of chr2:28,837,963-29,251,002 (413.0 kb, GRCh37 coordinates, 1-based), cytogenetic band 2p23.2.
Identifiers: ClinVar variation 4850963 (VCV004850963.1).